The following is an entry in ClinVar:

NM_006269.2(RP1):c.2285_2289del (p.Leu762fs)

Gene: RP1 (RP1 axonemal microtubule associated; plus strand). Cytogenetic location: 8q12.1.
Variant type: Microsatellite.
Coding change: c.2285_2289del on transcript NM_006269.2 (MANE Select); coding-DNA positions 2285 to 2289, 5 bases deleted (TAAAT; older notation c.2285_2289delTAAAT).
Protein change: p.Leu762fs; shifts the reading frame from leucine 762.
Molecular consequence: frameshift variant. On other transcripts: intron variant (1).
Genome position (GRCh38, 1-based): chr8:54,626,167-54,626,171, TAAAT deleted; deleting any 5 consecutive bases within chr8:54,626,162-54,626,171 gives the same sequence; the c. name uses the placement nearest the transcript's 3' end. VCF-style (leftmost placement, unchanged base first): chr8-54626161-ATAAAT-A. GRCh37 (hg19) VCF-style: chr8-55538721-ATAAAT-A.
Other names: c.2285_2289del (NM_006269.1); c.787+3879_787+3883del (NM_001375654.1); c.2285_2289del5 (NM_006269.1); short protein forms L762fs.
Identifiers: ClinVar variation 5966 (VCV000005966.19), dbSNP rs869320726, ClinGen allele CA358684.

ClinVar aggregate classification (germline): Pathogenic. Review status: criteria provided, multiple submitters, no conflicts (2 of 4 stars). 11 submissions from 11 submitters: Pathogenic (7). 4 of the submissions do not count toward it. Last evaluated 2025-10-07.

Conditions:
RP1-related disorder. Also called: RP1-related condition.
Retinal dystrophy. Also called: Inherited retinal dystrophy. Identifiers: Orphanet 71862, MedGen C0854723, MeSH D058499, MONDO:0019118, HP:0000556.
Retinitis pigmentosa (RP). Identifiers: Orphanet 791, MedGen C0035334, MeSH D012174, MONDO:0019200, OMIM 268000. Inheritance: Autosomal dominant, autosomal recessive and X linked inheritance.
Retinitis pigmentosa 1 (RP1). Identifiers: Orphanet 791, MedGen C0220701, MONDO:0008377, OMIM 180100.
Retinal disorder. Also called: Retinal disorders; Retinopathy; Retinopathies; Retinal Diseases. Identifiers: MedGen C0035309, MONDO:0005283, HP:0000488.

Submissions (11):

PreventionGenetics, part of Exact Sciences
Classification: Pathogenic for RP1-related condition. Last evaluated: 2025-10-07. Review status: criteria provided, single submitter. Criteria: ACMG Guidelines, 2015. Collection method: clinical testing. Allele origin: germline.
Comment: The RP1 c.2285_2289del5 variant is predicted to result in a frameshift and premature protein termination (p.Leu762Tyrfs*17). This variant has been reported in multiple individuals with autosomal dominant retinitis pigmentosa (Pierce et al. 1999. PubMed ID: 10391211; Table S2, Carss et al. 2016. PubMed ID: 28041643; Nanda et al. 2019. PubMed ID: 30731082; Verbakel et al. 2019. PubMed ID: 30913292; Appendices 1 and 3, Tracewska et al. 2021. PubMed ID: 34321860; Table S1, Griffith et al. 2022. PubMed ID: 36011402) and has been shown to co-segregate with disease in two unrelated families (Family 7050 in Pierce et al. 1999. PubMed ID: 10391211; Family B in Chen et al. 2018. PubMed ID: 29843741). This variant is absent in the gnomAD database, indicating this variant is rare. This variant is located in the terminal exon of the gene and therefore the transcript is not expected to undergo nonsense mediated decay; however, frameshift variants in this region of RP1 are an established mechanism of autosomal dominant disease (Wang et al. 2021. PubMed ID: 33681214). This variant is interpreted as pathogenic.

Genetics Laboratory, Great Ormond Street Hospital NHS Foundation Trust, North Thames Genomic Laboratory Hub
Classification: Pathogenic for Retinal disorders. Last evaluated: 2025-10-03. Review status: criteria provided, single submitter. Criteria: ACGS Best Practice Guidelines for Variant Classification in Rare Disease 2024 v1.2. Collection method: clinical testing. Allele origin: germline. Affected: yes.
Comment: PS4_moderate, PM2_supporting, PVS1_strong, PP1_strong

Labcorp Genetics (formerly Invitae), Labcorp
Classification: Pathogenic. Last evaluated: 2025-08-20. Review status: criteria provided, single submitter. Criteria: Invitae Variant Classification Sherloc (09022015). Collection method: clinical testing. Allele origin: germline.
Comment: This sequence change creates a premature translational stop signal (p.Leu762Tyrfs*17) in the RP1 gene. While this is not anticipated to result in nonsense mediated decay, it is expected to disrupt the last 1395 amino acid(s) of the RP1 protein. This variant is not present in population databases (gnomAD no frequency). This premature translational stop signal has been observed in individuals with autosomal dominant retinitis pigmentosa (PMID: 10391211, 29843741). It has also been observed to segregate with disease in related individuals. This variant is also known as Leu762(5-bp del). ClinVar contains an entry for this variant (Variation ID: 5966). This variant disrupts the C-terminus of the RP1 protein. Many variants that disrupt this region have been reported in individuals with either autosomal dominant or autosomal recessive retinitis pigmentosa (PMID: 11527933, 19933189, 29425069, 30027431, 33681214). Therefore, variants that disrupt this region are expected to be disease-causing. For these reasons, this variant has been classified as Pathogenic.

Chongqing Key Laboratory of Prevention and Treatment of Major Blinding Diseases, The First Affiliated Hospital of Chongqing Medical University
Classification: Pathogenic for Retinitis pigmentosa 1. Last evaluated: 2025-08-01. Review status: criteria provided, single submitter. Criteria: ACMG Guidelines, 2015. Collection method: clinical testing. Allele origin: germline. Inheritance: Autosomal dominant inheritance. Affected: yes. Observed: 5 variant alleles, 5 heterozygotes. Clinical features observed: Rod-cone dystrophy (HP:0000510), Night blindness (HP:0000662).
Comment: This frameshift variant (c.2285_2289del) is a reported pathogenic variant for autosomal dominant retinitis pigmentosa. In family CMUFAM002, it co-segregates with disease in multiple affected individuals (e.g., affected sister and two other relatives), supporting its pathogenicity. This RP1 variant is interpreted as the likely cause of RP in the family members who carry it.

North West Genomic Laboratory Hub, Manchester University NHS Foundation Trust
Classification: Pathogenic for Retinal disorders. Last evaluated: 2025-02-21. Review status: criteria provided, single submitter. Criteria: ACGS Best Practice Guidelines for Variant Classification in Rare Disease 2020. Collection method: clinical testing. Allele origin: germline. Affected: yes.
Comment: PVS1_Str PS4_Str PM1_Supp PP1_Str

Blueprint Genetics
Classification: Pathogenic for RP1-related disorders. Last evaluated: 2024-03-27. Review status: criteria provided, single submitter. Criteria: ACMG Guidelines, 2015. Collection method: clinical testing. Allele origin: germline. Affected: yes. Observed: 5 variant alleles.

Institute of Human Genetics, Univ. Regensburg, Univ. Regensburg
Classification: Pathogenic for Retinal dystrophy. Last evaluated: 2023-01-01. Review status: criteria provided, single submitter. Criteria: ACMG Guidelines, 2015. Collection method: clinical testing. Allele origin: germline. Affected: yes.

NIHR Bioresource Rare Diseases, University of Cambridge
Classification: Pathogenic for Retinitis pigmentosa. Last evaluated: 2015-01-01. Review status: no assertion criteria provided. Collection method: research. Allele origin: unknown. Affected: yes. Observed: 1 variant allele. Not counted in ClinVar's aggregate classification.

OMIM
Classification: Pathogenic for RETINITIS PIGMENTOSA 1. Last evaluated: 1999-07-01. Review status: no assertion criteria provided. Collection method: literature only. Allele origin: germline. Not counted in ClinVar's aggregate classification.

Clinical Genetics DNA and cytogenetics Diagnostics Lab, Erasmus MC, Erasmus Medical Center
Classification: Pathogenic. Review status: no assertion criteria provided. Collection method: clinical testing. Allele origin: germline. Affected: yes. Study: VKGL Data-share Consensus. Not counted in ClinVar's aggregate classification.

Clinical Genetics, Academic Medical Center
Classification: Pathogenic. Review status: no assertion criteria provided. Collection method: clinical testing. Allele origin: germline. Affected: yes. Study: VKGL Data-share Consensus. Not counted in ClinVar's aggregate classification.

Literature cited by the submitters: PubMed 10391211 (cited by 5 submitters); PubMed 29843741 (cited by 3 submitters); PubMed 11527933 (cited by Labcorp Genetics (formerly Invitae), Labcorp); PubMed 19933189 (cited by Labcorp Genetics (formerly Invitae), Labcorp); PubMed 29425069 (cited by Labcorp Genetics (formerly Invitae), Labcorp); PubMed 30027431 (cited by Labcorp Genetics (formerly Invitae), Labcorp); PubMed 33681214 (cited by Labcorp Genetics (formerly Invitae), Labcorp); PubMed 30913292 (cited by Chongqing Key Laboratory of Prevention and Treatment of Major Blinding Diseases, The First Affiliated Hospital of Chongqing Medical University and Institute of Human Genetics, Univ. Regensburg, Univ. Regensburg); PubMed 32581362 (cited by Institute of Human Genetics, Univ. Regensburg, Univ. Regensburg); PubMed 28041643 (cited by NIHR Bioresource Rare Diseases, University of Cambridge).